The following is an entry in ClinVar:

NM_001370.2(DNAH6):c.9379-3A>C

Gene: DNAH6 (dynein axonemal heavy chain 6; plus strand). Cytogenetic location: 2p11.2.
Variant type: single nucleotide variant.
Coding change: c.9379-3A>C on transcript NM_001370.2 (MANE Select); 3 bases into the intron before coding-DNA position 9379, A replaced by C.
Molecular consequence: intron variant.
Genome position (GRCh38, 1-based): chr2:84,713,092, A>C. VCF-style: chr2-84713092-A-C. GRCh37 (hg19) VCF-style: chr2-84940216-A-C.
Identifiers: ClinVar variation 4983989 (VCV004983989.1).
Genomic context (GRCh38, chr2:84,713,092, plus strand): 5'-AGTTCATGCTATCCATTTTAATTGCTTCTTTTTGTATTGTCCTGTTTTGTTTTAATTTCT[A>C]AGCTTAAGGAAACCTTGGATCCAGCTCTAGAACCCATTCTTTTGAAACAAATTTTTATCA-3'

ClinVar aggregate classification (germline): Likely benign (1 of 4 stars; one submission).

Conditions:
DNAH6-related disorder. Also called: DNAH6-related condition.

Submission:

PreventionGenetics, part of Exact Sciences
Classification: Likely benign for DNAH6-related condition. Last evaluated: 2024-11-13. Review status: criteria provided, single submitter. Criteria: ACMG Guidelines, 2015. Collection method: clinical testing. Allele origin: germline.
Comment: This variant is classified as likely benign based on ACMG/AMP sequence variant interpretation guidelines (Richards et al. 2015 PMID: 25741868, with internal and published modifications).